The following is an entry in ClinVar:

ClinVar aggregate classification (germline): Benign/Likely benign. Review status: criteria provided, multiple submitters, no conflicts (2 of 4 stars). 11 submissions from 11 submitters: Benign (4); Likely benign (4). 3 of the submissions do not count toward it. Last evaluated 2026-04-01.

Conditions:
Familial cold autoinflammatory syndrome 3 (FCAS3). Also called: ANTIBODY DEFICIENCY AND IMMUNE DYSREGULATION, PLCG2-ASSOCIATED; FAMILIAL ATYPICAL COLD URTICARIA. Identifiers: Orphanet 300359, MedGen C3280914, MONDO:0013766, OMIM 614468.
PLCG2-related disorder. Also called: PLCG2-related condition.

Allele frequency attached by ClinVar (database versions not stated): 1000 Genomes Project 0.00280; 1000 Genomes Project 30x 0.00297; gnomAD 0.00491; ExAC 0.00508; gnomAD exomes 0.00518; TOPMed 0.00570; ESP Exome Variant Server 0.00632.
gnomAD v4.1: 10,870 of 1,613,548 alleles (0.67%); highest among the groups gnomAD compares: Non-Finnish European, 0.83%; 46 homozygotes.

Submissions (11):

CeGaT Center for Human Genetics Tuebingen
Classification: Benign. Last evaluated: 2026-04-01. Review status: criteria provided, single submitter. Criteria: CeGaT Center For Human Genetics Tuebingen Variant Classification Criteria Version 2. Collection method: clinical testing. Allele origin: germline. Affected: yes. Observed: 46 variant alleles.
Comment: PLCG2: BP4, BS1, BS2

Labcorp Genetics (formerly Invitae), Labcorp
Classification: Benign for Familial cold autoinflammatory syndrome 3. Last evaluated: 2026-02-01. Review status: criteria provided, single submitter. Criteria: Invitae Variant Classification Sherloc (09022015). Collection method: clinical testing. Allele origin: germline.

Women's Health and Genetics/Laboratory Corporation of America, LabCorp
Classification: Likely benign. Last evaluated: 2026-01-23. Review status: criteria provided, single submitter. Criteria: LabCorp Variant Classification Summary - May 2015. Collection method: clinical testing. Allele origin: germline.

Blueprint Genetics
Classification: Likely benign. Last evaluated: 2024-11-27. Review status: criteria provided, single submitter. Criteria: ACMG Guidelines, 2015. Collection method: clinical testing. Allele origin: germline.

ARUP Laboratories, Molecular Genetics and Genomics, ARUP Laboratories
Classification: Benign. Last evaluated: 2024-08-27. Review status: criteria provided, single submitter. Criteria: ARUP Molecular Germline Variant Investigation Process 2024. Collection method: clinical testing. Allele origin: germline.

Mayo Clinic Laboratories, Mayo Clinic
Classification: Benign. Last evaluated: 2024-01-31. Review status: criteria provided, single submitter. Criteria: ACMG Guidelines, 2015. Collection method: clinical testing. Allele origin: germline. Observed: 21 variant alleles.
Comment: BS1, BS2, BP4

Center for Pediatric Genomic Medicine, Children's Mercy Hospital and Clinics
Classification: Likely benign. Last evaluated: 2017-07-27. Review status: criteria provided, single submitter. Criteria: ACMG Guidelines, 2015. Collection method: clinical testing. Allele origin: germline.

Breakthrough Genomics
Classification: Likely benign. Review status: criteria provided, single submitter. Criteria: ACMG Guidelines, 2015. Collection method: not provided. Allele origin: germline. Inheritance: Autosomal dominant inheritance. Affected: yes.

PreventionGenetics, part of Exact Sciences
Classification: Likely benign for PLCG2-related condition. Last evaluated: 2020-05-08. Review status: no assertion criteria provided. Collection method: clinical testing. Allele origin: germline. Not counted in ClinVar's aggregate classification.
Comment: This variant is classified as likely benign based on ACMG/AMP sequence variant interpretation guidelines (Richards et al. 2015 PMID: 25741868, with internal and published modifications).

Genome Diagnostics Laboratory, University Medical Center Utrecht
Classification: Likely benign. Review status: no assertion criteria provided. Collection method: clinical testing. Allele origin: germline. Affected: yes. Study: VKGL Data-share Consensus. Not counted in ClinVar's aggregate classification.

Laboratory of Diagnostic Genome Analysis, Leiden University Medical Center (LUMC)
Classification: Likely benign. Review status: no assertion criteria provided. Collection method: clinical testing. Allele origin: germline. Affected: yes. Study: VKGL Data-share Consensus. Not counted in ClinVar's aggregate classification.

NM_002661.5(PLCG2):c.1565C>G (p.Pro522Arg)

Gene: PLCG2 (phospholipase C gamma 2; plus strand). Cytogenetic location: 16q23.3.
Variant type: single nucleotide variant.
Coding change: c.1565C>G on transcript NM_002661.5 (MANE Select); coding-DNA position 1565, C replaced by G.
Protein change: p.Pro522Arg; replaces proline 522 with arginine.
Molecular consequence: missense variant.
Genome position (GRCh38, 1-based): chr16:81,908,423, C>G. VCF-style: chr16-81908423-C-G. GRCh37 (hg19) VCF-style: chr16-81942028-C-G.
Other names: short protein forms P522R.
Identifiers: ClinVar variation 440154 (VCV000440154.59), dbSNP rs72824905, ClinGen allele CA8193857.